The following is an entry in ClinVar:

NM_015450.3(POT1):c.1481T>A (p.Ile494Lys)

Gene: POT1 (protection of telomeres 1; minus strand). Cytogenetic location: 7q31.33.
Variant type: single nucleotide variant.
Coding change: c.1481T>A on transcript NM_015450.3 (MANE Select); coding-DNA position 1481, T replaced by A.
Protein change: p.Ile494Lys; replaces isoleucine 494 with lysine.
Molecular consequence: missense variant. On other transcripts: non-coding transcript variant (3).
Genome position (GRCh38, 1-based): chr7:124,835,303, A>T on the plus strand (T>A on the coding strand, the complement: POT1 is on the minus strand). VCF-style: chr7-124835303-A-T. GRCh37 (hg19) VCF-style: chr7-124475357-A-T.
Other names: c.1088T>A, p.Ile363Lys (NM_001042594.2); short protein forms I494K, I363K.
Identifiers: ClinVar variation 475046 (VCV000475046.16), dbSNP rs774858551, ClinGen allele CA4465112.
Genomic context (GRCh38, chr7:124,835,303, plus strand): 5'-AAACAAAACAAAACAAAACAAAACAAAACAAAATACCCATAGTGATGTATTGTTCCTTGT[A>T]TAAGAAATGGTGCTGAAAGGTCCAAAAGTTCCAGGTCTTCGTGGCCAGATCTCACAGGAA-3'
Protein context (NP_056265.2, residues 484-504): ELLDLSAPFL[Ile494Lys]QGTIHHYGCK

ClinVar aggregate classification (germline): Uncertain significance. Review status: criteria provided, multiple submitters, no conflicts (2 of 4 stars). 3 submissions from 3 submitters: Uncertain significance (2). 1 of the submissions does not count toward it. Last evaluated 2026-06-23.

Conditions:
Long telomere syndrome.
Tumor predisposition syndrome 3 (TPDS3). Also called: Melanoma, cutaneous malignant, susceptibility to, 10; LONG TELOMERE SYNDROME, POT1-RELATED; POT1 Tumor Predisposition; Glioma susceptibility 9. Identifiers: Orphanet 618, MedGen C4014476, MONDO:0014368, OMIM 615848.
Hereditary cancer-predisposing syndrome. Also called: Neoplastic Syndromes, Hereditary; Hereditary neoplastic syndrome; Hereditary Cancer Syndrome; Tumor predisposition. Identifiers: Orphanet 140162, MedGen C0027672, MeSH D009386, MONDO:0015356.

Allele frequency attached by ClinVar (database versions not stated): gnomAD exomes 0.00001; ExAC 0.00001.
gnomAD v4.1: 5 of 1,614,096 alleles (0.00031%); highest among the groups gnomAD compares: Non-Finnish European, 0.00042%; no homozygotes.

Submissions (3):

Ambry Genetics
Classification: Uncertain significance for Hereditary cancer-predisposing syndrome. Last evaluated: 2026-06-23. Review status: criteria provided, single submitter. Criteria: Ambry Variant Classification Scheme 2023. Collection method: clinical testing. Allele origin: germline.

Labcorp Genetics (formerly Invitae), Labcorp
Classification: Uncertain significance for Tumor predisposition syndrome 3. Last evaluated: 2025-09-27. Review status: criteria provided, single submitter. Criteria: Invitae Variant Classification Sherloc (09022015). Collection method: clinical testing. Allele origin: germline.
Comment: This sequence change replaces isoleucine, which is neutral and non-polar, with lysine, which is basic and polar, at codon 494 of the POT1 protein (p.Ile494Lys). This variant is present in population databases (rs774858551, gnomAD 0.002%). This variant has not been reported in the literature in individuals affected with POT1-related conditions. ClinVar contains an entry for this variant (Variation ID: 475046). Invitae Evidence Modeling of protein sequence and biophysical properties (such as structural, functional, and spatial information, amino acid conservation, physicochemical variation, residue mobility, and thermodynamic stability) indicates that this missense variant is not expected to disrupt POT1 protein function with a negative predictive value of 80%. In summary, the available evidence is currently insufficient to determine the role of this variant in disease. Therefore, it has been classified as a Variant of Uncertain Significance.

The Telomere Center at Johns Hopkins, Johns Hopkins University School of Medicine
Classification: Likely pathogenic for Long telomere syndrome. Last evaluated: 2023-04-01. Review status: no assertion criteria provided. Collection method: research. Allele origin: germline. Affected: yes. Not counted in ClinVar's aggregate classification.

Literature cited by the submitters: PubMed 38688277 (cited by The Telomere Center at Johns Hopkins, Johns Hopkins University School of Medicine).